The following is an entry in ClinVar:

NM_001134673.4(NFIA):c.*15C>T

Gene: NFIA (nuclear factor I A; plus strand). Cytogenetic location: 1p31.3.
Variant type: single nucleotide variant.
Coding change: c.*15C>T on transcript NM_001134673.4 (MANE Select); 15 bases downstream of the stop codon, C replaced by T.
Molecular consequence: 3 prime UTR variant. On other transcripts: missense variant (1).
Genome position (GRCh38, 1-based): chr1:61,455,335, C>T. VCF-style: chr1-61455335-C-T. GRCh37 (hg19) VCF-style: chr1-61921007-C-T.
Other names: c.*15C>T (NM_001145511.2, NM_001145512.2); c.1453C>T, p.His485Tyr (NM_005595.5); short protein forms H485Y.
Identifiers: ClinVar variation 5009436 (VCV005009436.1).

ClinVar aggregate classification (germline): Uncertain significance (1 of 4 stars; one submission).

gnomAD v4.1: 1 of 1,614,064 alleles (0.000062%); highest among the groups gnomAD compares: Non-Finnish European, 0.000085%; no homozygotes.

Submission:

GeneDx
Classification: Uncertain significance. Last evaluated: 2026-03-19. Review status: criteria provided, single submitter. Criteria: GeneDx Variant Classification Process June 2021. Collection method: clinical testing. Allele origin: germline.
Comment: Not observed at significant frequency in large population cohorts (gnomAD); In silico analysis supports that this missense variant has a deleterious effect on protein structure/function; Has not been previously published as pathogenic or benign to our knowledge